The following is an entry in ClinVar:

NM_022436.3(ABCG5):c.1528dup (p.His510fs)

Genes: ABCG5 (ATP binding cassette subfamily G member 5; minus strand), DYNC2LI1 (dynein cytoplasmic 2 light intermediate chain 1; plus strand). Cytogenetic location: 2p21.
Variant type: Duplication.
Coding change: c.1528dup on transcript NM_022436.3 (MANE Select); coding-DNA position 1528, one base duplicated (C; older notation c.1528dupC).
Protein change: p.His510fs; shifts the reading frame from histidine 510.
Molecular consequence: frameshift variant. On other transcripts: intron variant (2).
Genome position (GRCh38, 1-based): chr2:43,820,036, G duplicated on the plus strand (C on the coding strand, the reverse complement: ABCG5 is on the minus strand); the first of 6 consecutive G bases (chr2:43,820,036-43,820,041); duplicating any one gives the same sequence. VCF-style (leftmost placement, unchanged base first): chr2-43820035-T-TG. GRCh37 (hg19) VCF-style: chr2-44047174-T-TG.
Other names: c.*16-7345dup (NM_001348913.2, NM_001348912.2); short protein forms H510fs.
Identifiers: ClinVar variation 2903014 (VCV002903014.3), dbSNP rs1404218188, ClinGen allele CA1029983338.

ClinVar aggregate classification (germline): Pathogenic (1 of 4 stars; one submission).

Conditions:
Sitosterolemia (STSL). Also called: PHYTOSTEROLEMIA. Identifiers: Orphanet 2882, MedGen C0342907, MONDO:0008863.

Submission:

Labcorp Genetics (formerly Invitae), Labcorp
Classification: Pathogenic for Sitosterolemia. Last evaluated: 2023-12-04. Review status: criteria provided, single submitter. Criteria: Invitae Variant Classification Sherloc (09022015). Collection method: clinical testing. Allele origin: germline.
Comment: This sequence change creates a premature translational stop signal (p.His510Profs*5) in the ABCG5 gene. It is expected to result in an absent or disrupted protein product. Loss-of-function variants in ABCG5 are known to be pathogenic (PMID: 11138003, 25665839). This variant is not present in population databases (gnomAD no frequency). This premature translational stop signal has been observed in individual(s) with sitosterolemia (PMID: 34969652). For these reasons, this variant has been classified as Pathogenic.

Literature cited by the submitters: PubMed 11138003; PubMed 25665839; PubMed 34969652.